The following is an entry in ClinVar:

ClinVar aggregate classification (germline): Pathogenic (1 of 4 stars; one submission).

Conditions:
Acrocallosal syndrome (ACLS). Also called: HALLUX DUPLICATION, POSTAXIAL POLYDACTYLY, AND ABSENCE OF CORPUS CALLOSUM; Schinzel syndrome 1; Absence of corpus callosum with unusual facial appearance, mental deficiency, duplication of the halluces and polydactyly. Identifiers: Orphanet 36, MedGen C0796147, MONDO:0008708, OMIM 200990.

Submission:

Labcorp Genetics (formerly Invitae), Labcorp
Classification: Pathogenic for Acrocallosal syndrome. Last evaluated: 2021-11-02. Review status: criteria provided, single submitter. Criteria: Invitae Variant Classification Sherloc (09022015). Collection method: clinical testing. Allele origin: germline.
Comment: For these reasons, this variant has been classified as Pathogenic. This variant has not been reported in the literature in individuals affected with KIF7-related conditions. This variant is not present in population databases (gnomAD no frequency). This sequence change creates a premature translational stop signal (p.Gln516*) in the KIF7 gene. It is expected to result in an absent or disrupted protein product. Loss-of-function variants in KIF7 are known to be pathogenic (PMID: 19666503, 21552264, 21633164, 26648833).

Literature cited by the submitters: PubMed 19666503; PubMed 21552264; PubMed 21633164; PubMed 26648833.

NM_198525.3(KIF7):c.1546C>T (p.Gln516Ter)

Gene: KIF7 (kinesin family member 7; minus strand). Cytogenetic location: 15q26.1.
Variant type: single nucleotide variant.
Coding change: c.1546C>T on transcript NM_198525.3 (MANE Select); coding-DNA position 1546, C replaced by T.
Protein change: p.Gln516Ter; replaces glutamine 516 with a stop codon.
Molecular consequence: nonsense.
Genome position (GRCh38, 1-based): chr15:89,647,610, G>A on the plus strand (C>T on the coding strand, the complement: KIF7 is on the minus strand). VCF-style: chr15-89647610-G-A. GRCh37 (hg19) VCF-style: chr15-90190841-G-A.
Other names: short protein forms Q516*.
Identifiers: ClinVar variation 1453752 (VCV001453752.6), dbSNP rs1250146203, ClinGen allele CA393768427.